The following is an entry in ClinVar:

ClinVar aggregate classification (germline): Likely pathogenic. Review status: criteria provided, single submitter (1 of 4 stars). 2 submissions from 2 submitters: Likely pathogenic (1). 1 of the submissions does not count toward it. Last evaluated 2023-07-27.

Conditions:
Peroxisome biogenesis disorder 5B (PBD5B). Identifiers: Orphanet 44, MedGen C3542026, MONDO:0013933, OMIM 614867.
Peroxisome biogenesis disorder. Identifiers: Orphanet 79189, MedGen C1832200, MONDO:0019234. Disease mechanism: loss of function.

Allele frequency attached by ClinVar (database versions not stated): TOPMed 0.00001; gnomAD exomes 0.00002.
gnomAD v4.1: 30 of 1,613,880 alleles (0.0019%); highest among the groups gnomAD compares: Non-Finnish European, 0.0024%; no homozygotes.

Submissions (2):

Women's Health and Genetics/Laboratory Corporation of America, LabCorp
Classification: Likely pathogenic for Peroxisome biogenesis disorder. Last evaluated: 2023-07-27. Review status: criteria provided, single submitter. Criteria: LabCorp Variant Classification Summary - May 2015. Collection method: clinical testing. Allele origin: germline.
Comment: Variant summary: PEX2 c.163G>A (p.Glu55Lys) results in a conservative amino acid change to a highly conserved residue (HGMD) located in the Pex, N-terminal (IPR006845) of the encoded protein sequence. Four of five in-silico tools predict a damaging effect of the variant on protein function. The variant was absent in 251214 control chromosomes (gnomAD). c.163G>A has been reported in the literature in an individual affected with Refsum disease who was compound heterozygous with a pathogenic variant (Imamura_1998, Shimozawa_1999). These data suggest the variant may be associated with disease. At least two publications report experimental evidence evaluating an impact on protein function, finding that cells expressing the variant protein showed partially reduced enzymatic activity and recapitulated the catalase-less persoxisomes seen in patient cells (Fujiwara_2000, Shimozawa_1999). The following publications have been ascertained in the context of this evaluation (PMID: 9585609, 10528859, 10960480). No submitters have cited clinical-significance assessments for this variant to ClinVar after 2014. Based on the evidence outlined above, the variant was classified as likely pathogenic.

OMIM
Classification: Pathogenic for PEROXISOME BIOGENESIS DISORDER 5B. Last evaluated: 1999-10-01. Review status: no assertion criteria provided. Collection method: literature only. Allele origin: germline. Not counted in ClinVar's aggregate classification.

Literature cited by the submitters: PubMed 9585609 (cited by Women's Health and Genetics/Laboratory Corporation of America, LabCorp); PubMed 10528859 (cited by Women's Health and Genetics/Laboratory Corporation of America, LabCorp and OMIM); PubMed 10960480 (cited by Women's Health and Genetics/Laboratory Corporation of America, LabCorp).

NM_000318.3(PEX2):c.163G>A (p.Glu55Lys)

Gene: PEX2 (peroxisomal biogenesis factor 2; minus strand). Cytogenetic location: 8q21.13.
Variant type: single nucleotide variant.
Coding change: c.163G>A on transcript NM_000318.3 (MANE Select); coding-DNA position 163, G replaced by A.
Protein change: p.Glu55Lys; replaces glutamic acid 55 with lysine.
Molecular consequence: missense variant.
Genome position (GRCh38, 1-based): chr8:76,984,016, C>T on the plus strand (G>A on the coding strand, the complement: PEX2 is on the minus strand). VCF-style: chr8-76984016-C-T. GRCh37 (hg19) VCF-style: chr8-77896252-C-T.
Other names: c.163G>A, p.Glu55Lys (NM_001079867.2, NM_001172086.2, NM_001172087.2); c.163G>A (NM_000318.2); short protein forms E55K.
Identifiers: ClinVar variation 13705 (VCV000013705.2), dbSNP rs61752119, ClinGen allele CA123379.